The following is an entry in ClinVar:

ClinVar aggregate classification (germline): Conflicting classifications of pathogenicity. Review status: criteria provided, conflicting classifications (1 of 4 stars). 6 submissions from 6 submitters: Uncertain significance (1); Benign (1); Likely benign (2). 2 of the submissions do not count toward it. Last evaluated 2026-03-17.

Conditions:
ACOX1-related disorder. Also called: ACOX1-related disorders; ACOX1-related condition.
Acyl-CoA oxidase deficiency. Also called: Peroxisomal acyl-CoA oxidase deficiency; Pseudoneonatal adrenoleukodystrophy; STRAIGHT-CHAIN ACYL-CoA OXIDASE DEFICIENCY. Identifiers: Orphanet 2971, MedGen C1849678, MONDO:0009919, OMIM 264470. Disease mechanism: loss of function.

Allele frequency attached by ClinVar (database versions not stated): gnomAD 0.00014; TOPMed 0.00018; ExAC 0.00019; gnomAD exomes 0.00026.
gnomAD v4.1: 106 of 1,614,248 alleles (0.0066%); highest among the groups gnomAD compares: East Asian, 0.21%; no homozygotes.

Submissions (6):

Women's Health and Genetics/Laboratory Corporation of America, LabCorp
Classification: Likely benign. Last evaluated: 2026-03-17. Review status: criteria provided, single submitter. Criteria: LabCorp Variant Classification Summary - May 2015. Collection method: clinical testing. Allele origin: germline.

Labcorp Genetics (formerly Invitae), Labcorp
Classification: Benign for Acyl-CoA oxidase deficiency. Last evaluated: 2025-12-14. Review status: criteria provided, single submitter. Criteria: Invitae Variant Classification Sherloc (09022015). Collection method: clinical testing. Allele origin: germline.

Blueprint Genetics
Classification: Likely benign. Last evaluated: 2024-10-30. Review status: criteria provided, single submitter. Criteria: ACMG Guidelines, 2015. Collection method: clinical testing. Allele origin: germline.

Illumina Laboratory Services, Illumina
Classification: Uncertain significance for Acyl-CoA oxidase deficiency. Last evaluated: 2018-01-12. Review status: criteria provided, single submitter. Criteria: ICSL Variant Classification Criteria 13 December 2019. Collection method: clinical testing. Allele origin: germline.

Natera, Inc.
Classification: Likely benign for Peroxisomal acyl-CoA oxidase deficiency. Last evaluated: 2020-06-18. Review status: no assertion criteria provided. Collection method: clinical testing. Allele origin: germline. Not counted in ClinVar's aggregate classification.

PreventionGenetics, part of Exact Sciences
Classification: Likely benign for ACOX1-related condition. Last evaluated: 2019-10-28. Review status: no assertion criteria provided. Collection method: clinical testing. Allele origin: germline. Not counted in ClinVar's aggregate classification.
Comment: This variant is classified as likely benign based on ACMG/AMP sequence variant interpretation guidelines (Richards et al. 2015 PMID: 25741868, with internal and published modifications).

NM_004035.7(ACOX1):c.1695T>C (p.Tyr565=)

Gene: ACOX1 (acyl-CoA oxidase 1; minus strand). Cytogenetic location: 17q25.1.
Variant type: single nucleotide variant.
Coding change: c.1695T>C on transcript NM_004035.7 (MANE Select); coding-DNA position 1695, T replaced by C.
Protein change: p.Tyr565=; no amino-acid change (tyrosine 565 retained).
Molecular consequence: synonymous variant.
Genome position (GRCh38, 1-based): chr17:75,949,250, A>G on the plus strand (T>C on the coding strand, the complement: ACOX1 is on the minus strand). VCF-style: chr17-75949250-A-G. GRCh37 (hg19) VCF-style: chr17-73945331-A-G.
Other names: c.1581T>C, p.Tyr527= (NM_001185039.2); c.1695T>C, p.Tyr565= (NM_007292.6).
Identifiers: ClinVar variation 743716 (VCV000743716.20), dbSNP rs774049893, ClinGen allele CA8776694.